The following continues an entry in ClinVar:

NM_000303.3(PMM2):c.422G>A (p.Arg141His)

Gene: PMM2. ClinVar aggregate classification (germline): Pathogenic. Pathogenic (54).

Submissions 24 to 38 of 69:

Laboratory for Molecular Medicine, Mass General Brigham Personalized Medicine
Classification: Pathogenic for PMM2-congenital disorder of glycosylation. Last evaluated: 2024-03-21. Review status: criteria provided, single submitter. Criteria: ACMG Guidelines, 2015. Collection method: clinical testing. Allele origin: germline. Inheritance: Autosomal recessive inheritance.
Comment: The p.Arg141His variant in PMM2 has been reported in several compound heterozygous individuals with congenital disorder of glycosylation type Ia and is one of the most frequent pathogenic variants in patients with this disorder (Matthijs 1997 PMID: 9140401, Matthijs 1998 PMID: 9497260, de Lonlay 2001 PMID: 11134235). This variant has also been reported by other clinical laboratories in ClinVar (Variation ID 7706) and has been identified in 0.7% (472/61238) of Finnish chromosomes and 0.6% (6521/1152934) of European chromosomes by gnomAD (v.4.0.0). However, this frequency is low enough to be consistent with a recessive carrier frequency. In vitro functional studies provide evidence that this variant causes complete loss of enzyme activity (Vega 2011 PMID: 21541725, Andreotti 2015 PMID: 26488408). The p.Arg141His variant has never been observed in homozygosity, suggesting that the total absence of PMM2 activity is not compatible with life (Matthijs 1998 PMID: 9497260). Computational prediction tools and conservation analyses suggests that this variant may impact the protein. In summary, this variant meets criteria to be classified as pathogenic for autosomal recessive congenital disorder of glycosylation type Ia. ACMG/AMP Criteria applied: PM3_Very Strong, PS3_Moderate, PP4, PP3.

Laboratory of Medical Genetics, National & Kapodistrian University of Athens
Classification: Pathogenic for PMM2-congenital disorder of glycosylation. Last evaluated: 2024-02-01. Review status: criteria provided, single submitter. Criteria: ACMG Guidelines, 2015. Collection method: curation. Allele origin: germline. Affected: no.

Mayo Clinic Laboratories, Mayo Clinic
Classification: Pathogenic. Last evaluated: 2023-12-20. Review status: criteria provided, single submitter. Criteria: ACMG Guidelines, 2015. Collection method: clinical testing. Allele origin: germline. Observed: 11 variant alleles.
Comment: PP3, PM3_very_strong, PS3

Clinical Genetics Laboratory, Skane University Hospital Lund
Classification: Pathogenic. Last evaluated: 2023-12-18. Review status: criteria provided, single submitter. Criteria: ACMG Guidelines, 2015. Collection method: clinical testing. Allele origin: germline. Affected: yes.

Laboratoire Génétique Moléculaire, CHRU TOURS
Classification: Pathogenic for PMM2-congenital disorder of glycosylation. Last evaluated: 2023-11-15. Review status: criteria provided, single submitter. Criteria: ACMG Guidelines, 2015. Collection method: clinical testing. Allele origin: paternal. Affected: yes.
Comment: PS1;PM1;PM2;PM3;PP2;PP3;PP4;PP5

Neurometabolic Diseases Laboratory, Bellvitge Biomedical Research Institute (IDIBELL)
Classification: Pathogenic for PMM2-congenital disorder of glycosylation. Last evaluated: 2023-04-27. Review status: criteria provided, single submitter. Criteria: ACMG Guidelines, 2015. Collection method: research. Allele origin: germline. Affected: yes.

Center for Genomics, Ann and Robert H. Lurie Children's Hospital of Chicago
Classification: Pathogenic for PMM2-congenital disorder of glycosylation. Last evaluated: 2022-10-13. Review status: criteria provided, single submitter. Criteria: ACMG Guidelines, 2015. Collection method: clinical testing. Allele origin: germline.
Comment: This variant has been reported in the literature as a compound heterozygote in several individuals with Congenital disorder of glycosylation type Ia (CDG-Ia) and segregating with disease in affected family members. Of note, at least one publication notes that this variant is the most common pathogenic variant for this condition (Selected publications: Matthijs 1997 PMID:9140401, van Ommenn 2000 PMID:10700701, Briones 2001 PMID:11589167, Kjaergard 2001 PMID:11517108, Barone 2008 PMID:18629883, Vega 2011 PMID:21541725, Bastaki 2018 PMID:28940310). This variant is present in the Genome Aggregation Database (Highest reported MAF 0.7% (82/10618). Please note, disease-causing variants may be present in control databases at low frequencies, reflective of the general population, carrier status, and/or variable expressivity. This variant is present in ClinVar, with several labs classifying this variant as Pathogenic (Variation ID:7706). Evolutionary conservation and computational predictive tools support that this variant may impact the protein. In addition, functional studies support that this variant will impact the protein by affecting folding and catalytic activity (Vega 2011 PMID:21541725, Yuste-Checa 2015 PMID:26014514). In summary, this variant is classified as pathogenic based on the data above.

Dasa
Classification: Pathogenic for Congenital disorder of glycosylation type I. Last evaluated: 2022-06-10. Review status: criteria provided, single submitter. Criteria: ACMG Guidelines, 2015. Collection method: clinical testing. Allele origin: germline. Affected: yes. Observed: 1 variant allele.
Comment: The c.422G>A;p.(Arg141His)missense change one of most frequently variant associated with the phenotype described in the gene and ClinVar contains an entry for this variant (ClinVar ID: 7706; PMID: 32860008; 32581362; 31474318; 28940310; 28373276; 25333069; 22975760; 21228398; 19357119; 11530212; 10700701; 9140401) - PS4.Well-established in vitro or in vivo functional studies supportive of a damaging effect on the gene or gene product (PMID: 21541725, 26488408, 26014514) - PS3. The variant is present at low allele frequencies population databases (rs28936415– gnomAD 0.03660%; ABraOM no frequency) -PM2_supporting. The p.(Arg141His) was detected in trans with a Pathogenic variant (PMID: 9140401; 9497260; 9781039; 11058895; 11134235; 11517108; 19357119; 20301289; 21541725; 25355454) - PM3_very strong. Pathogenic missense variant in this residue have been reported and classified as Pathogenic by ACMG criteria (c.421C>T (p.Arg141Cys) - PMID: 15844218) - PM5. Multiple lines of computational evidence support a deleterious effect on the gene or gene product - PP3. In summary, the currently available evidence indicates that the variant is Pathogenic

Institute of Human Genetics, University of Leipzig Medical Center
Classification: Pathogenic for PMM2-congenital disorder of glycosylation. Last evaluated: 2022-01-06. Review status: criteria provided, single submitter. Criteria: ACMG Guidelines, 2015. Collection method: clinical testing. Allele origin: unknown. Inheritance: X-linked recessive inheritance. Affected: yes.
Comment: Criteria applied: PS3,PS4,PM5_SUP,PP3

Women's Health and Genetics/Laboratory Corporation of America, LabCorp
Classification: Pathogenic for PMM2-congenital disorder of glycosylation. Last evaluated: 2021-11-06. Review status: criteria provided, single submitter. Criteria: LabCorp Variant Classification Summary - May 2015. Collection method: clinical testing. Allele origin: germline.
Comment: Variant summary: PMM2 c.422G>A (p.Arg141His) results in a non-conservative amino acid change in the encoded protein sequence. Five of five in-silico tools predict a damaging effect of the variant on protein function. The variant allele was found at a frequency of 0.0041 in 192974 control chromosomes. c.422G>A has been reported in the literature in multiple individuals affected with Congenital Disorder Of Glycosylation Type 1a (example, Matthijs_1997, Barone_2015). These data indicate that the variant is very likely to be associated with disease. At least one publication reports experimental evidence evaluating an impact on protein function. The most pronounced variant effect results in a loss of PMM2 enzyme activity in one study (example, Vega_2011) and an oligomerization profile with a predominant aggregate fraction, less dimerization, nearly non-detectable enzymatic activities, and shorter degradation time in another study (example, Yuste-Checa_2015). Thus, variant severly affected both the folding as well as catalytic properties of the PMM2 protein . Multiple clinical diagnostic laboratories have submitted clinical-significance assessments for this variant to ClinVar after 2014. All have classified the variant as pathogenic. Based on the evidence outlined above, the variant was classified as pathogenic.

Laboratorio de Genetica e Diagnostico Molecular, Hospital Israelita Albert Einstein
Classification: Pathogenic for PMM2-congenital disorder of glycosylation. Last evaluated: 2021-10-06. Review status: criteria provided, single submitter. Criteria: ACMG Guidelines, 2015. Collection method: clinical testing. Allele origin: germline. Affected: yes.
Comment: ACMG classification criteria: PS3 supporting, PM3 very strong, PP3 supporting

Genome-Nilou Lab
Classification: Pathogenic for PMM2-congenital disorder of glycosylation. Last evaluated: 2021-07-22. Review status: criteria provided, single submitter. Criteria: ACMG Guidelines, 2015. Collection method: clinical testing. Allele origin: germline. Affected: no.

Genetics and Molecular Pathology, SA Pathology
Classification: Pathogenic for PMM2-congenital disorder of glycosylation. Last evaluated: 2021-05-10. Review status: criteria provided, single submitter. Criteria: ACMG Guidelines, 2015. Collection method: clinical testing. Allele origin: germline. Inheritance: Autosomal recessive inheritance. Affected: yes.
Comment: The PMM2 c.422G>A variant is classified as PATHOGENIC (PM3, PP3, PS3, PS4) The PMM2 c.422G>A variant is a single nucleotide change in exon 5 of the PMM2 gene, which is predicted to change the amino acid arginine at position 141 in the protein to histidine. This is a recurrent variant and one of the most common PMM2 mutations (PS4). It is predicted to be homozygous lethal, so is only found in compound heterozygous state (PM3). Functional studies have demonstrated reduced enzyme stability and catalytic activity compared with wild type (PMID:21541725) (PS3). This variant is in dbSNP (rs28936415) and has been reported in population databases (gnomAD 891/224376 alleles, 0 homozygotes). This variant has been reported in ClinVar as pathogenic by multiple other diagnostic laboratories (ClinVar Variation ID: 22745). It is also classed as damaging for congenital disorder of glycosylation type 1a in HGMD (CM971228). Computational predictions support a deleterious effect on the gene or gene product (PP3).

Molecular Medicine for Neurodegenerative and Neuromuscular Diseases Unit, IRCCS Fondazione Stella Maris
Classification: Pathogenic for PMM2-congenital disorder of glycosylation. Last evaluated: 2021-01-04. Review status: criteria provided, single submitter. Criteria: ACMG Guidelines, 2015. Collection method: research. Allele origin: inherited. Affected: yes.

Centre for Inherited Metabolic Diseases, Karolinska University Hospital
Classification: Pathogenic for PMM2-congenital disorder of glycosylation. Last evaluated: 2020-04-02. Review status: criteria provided, single submitter. Criteria: ACMG Guidelines, 2015. Collection method: clinical testing. Allele origin: germline. Inheritance: Autosomal recessive inheritance. Affected: yes. Observed: 1 variant allele, 2 compound heterozygotes.